The following is an entry in ClinVar:

NM_000503.6(EYA1):c.201A>G (p.Ser67=)

Gene: EYA1 (EYA transcriptional coactivator and phosphatase 1; minus strand). Cytogenetic location: 8q13.3.
Variant type: single nucleotide variant.
Coding change: c.201A>G on transcript NM_000503.6 (MANE Select); coding-DNA position 201, A replaced by G.
Protein change: p.Ser67=; no amino-acid change (serine 67 retained).
Molecular consequence: synonymous variant. On other transcripts: 5 prime UTR variant (1).
Genome position (GRCh38, 1-based): chr8:71,334,098, T>C on the plus strand (A>G on the coding strand, the complement: EYA1 is on the minus strand). VCF-style: chr8-71334098-T-C. GRCh37 (hg19) VCF-style: chr8-72246333-T-C.
Other names: c.201A>G, p.Ser67= (NM_001288574.2, NM_001370334.1, NM_001370335.1 and 1 more transcripts); c.-84A>G (NM_001288575.2); c.288A>G, p.Ser96= (NM_001370333.1, NM_001370336.1, NM_172059.5); c.102A>G, p.Ser34= (NM_001411797.1, NM_172060.4).
Identifiers: ClinVar variation 1697052 (VCV001697052.2), dbSNP rs2129046974, ClinGen allele CA461329447.

ClinVar aggregate classification (germline): Uncertain significance (1 of 4 stars; one submission).

Allele frequency attached by ClinVar (database versions not stated): gnomAD exomes below 0.00001.
gnomAD v4.1: 3 of 1,610,374 alleles (0.00019%); highest among the groups gnomAD compares: Non-Finnish European, 0.000085%; no homozygotes.

Submission:

GeneDx
Classification: Uncertain significance. Last evaluated: 2022-01-14. Review status: criteria provided, single submitter. Criteria: GeneDx Variant Classification Process June 2021. Collection method: clinical testing. Allele origin: germline. Affected: yes.
Comment: Not observed at significant frequency in large population cohorts (gnomAD); Has not been previously published as pathogenic or benign to our knowledge; In silico analysis, which includes splice predictors and evolutionary conservation, suggests this variant may impact gene splicing. In the absence of RNA/functional studies, the actual effect of this sequence change is unknown.